The following is an entry in ClinVar:

NM_138694.4(PKHD1):c.10521C>T (p.His3507=)

Gene: PKHD1 (PKHD1 ciliary IPT domain containing fibrocystin/polyductin; minus strand). Cytogenetic location: 6p12.3.
Variant type: single nucleotide variant.
Coding change: c.10521C>T on transcript NM_138694.4 (MANE Select); coding-DNA position 10521, C replaced by T.
Protein change: p.His3507=; no amino-acid change (histidine 3507 retained).
Molecular consequence: synonymous variant.
Genome position (GRCh38, 1-based): chr6:51,659,605, G>A on the plus strand (C>T on the coding strand, the complement: PKHD1 is on the minus strand). VCF-style: chr6-51659605-G-A. GRCh37 (hg19) VCF-style: chr6-51524403-G-A.
Other names: p.His3507=.
Identifiers: ClinVar variation 96366 (VCV000096366.33), dbSNP rs34460237, ClinGen allele CA149472.
Genomic context (GRCh38, chr6:51,659,605, plus strand): 5'-CAGCAATAAGGAAGCTGACTGAACCAGAGTGGGTGGAATAAAACTTTCCCCTAAGAAGAC[G>A]TGGGGGCTCTGGAGCTCATGGTAGAATACAGCCAAGAGAAGCTTGGAGGTACTTTTGTTC-3'
Protein context (NP_619639.3, residues 3497-3517): AVFYHELQSP[His3507=]VFLGESFIPP

ClinVar aggregate classification (germline): Benign. Review status: criteria provided, multiple submitters, no conflicts (2 of 4 stars). 11 submissions from 11 submitters: Benign (9). 2 of the submissions do not count toward it. Last evaluated 2026-02-04.

Conditions:
Polycystic kidney disease 4 (PKD4). Also called: POLYCYSTIC KIDNEY AND HEPATIC DISEASE 1; POLYCYSTIC KIDNEY DISEASE, INFANTILE, TYPE I; POLYCYSTIC KIDNEY DISEASE 4 WITH OR WITHOUT POLYCYSTIC LIVER DISEASE; PKD3; Autosomal Recessive Polycystic Kidney Disease – PKHD1. Identifiers: MedGen C4540575, MONDO:0033004, OMIM 263200.
Autosomal recessive polycystic kidney disease (ARPKD). Also called: AR polycystic kidney disease. Identifiers: Orphanet 731, Orphanet 8378, MedGen C0085548, MeSH D017044, MONDO:0009889.
Polycystic kidney disease. Also called: Kidney, Polycystic; Polycystic kidney dysplasia. Identifiers: MedGen C0022680, MeSH D007690, MONDO:0020642, HP:0000113.

Allele frequency attached by ClinVar (database versions not stated): ESP Exome Variant Server 0.03191; TOPMed 0.04325; gnomAD exomes 0.04752 and 0.06613; ExAC 0.06236; 1000 Genomes Project 30x 0.06433; 1000 Genomes Project 0.06569.
gnomAD v4.1: 77,532 of 1,613,518 alleles (4.8%); highest among the groups gnomAD compares: East Asian, 12%; 2,552 homozygotes.

Submissions (11):

Labcorp Genetics (formerly Invitae), Labcorp
Classification: Benign for Autosomal recessive polycystic kidney disease. Last evaluated: 2026-02-04. Review status: criteria provided, single submitter. Criteria: Invitae Variant Classification Sherloc (09022015). Collection method: clinical testing. Allele origin: germline.

Blueprint Genetics
Classification: Benign. Last evaluated: 2024-11-27. Review status: criteria provided, single submitter. Criteria: ACMG Guidelines, 2015. Collection method: clinical testing. Allele origin: germline.

Mayo Clinic Laboratories, Mayo Clinic
Classification: Benign. Last evaluated: 2022-03-09. Review status: criteria provided, single submitter. Criteria: ACMG Guidelines, 2015. Collection method: clinical testing. Allele origin: germline. Observed: 72 variant alleles.

Genome-Nilou Lab
Classification: Benign for Polycystic kidney disease 4. Last evaluated: 2021-09-05. Review status: criteria provided, single submitter. Criteria: ACMG Guidelines, 2015. Collection method: clinical testing. Allele origin: germline. Affected: no.

Pars Genome Lab
Classification: Benign for Polycystic kidney disease 4. Last evaluated: 2021-06-19. Review status: criteria provided, single submitter. Criteria: ACMG Guidelines, 2015. Collection method: clinical testing. Allele origin: germline. Affected: no.

GeneDx
Classification: Benign. Last evaluated: 2018-07-09. Review status: criteria provided, single submitter. Criteria: GeneDx Variant Classification Process June 2021. Collection method: clinical testing. Allele origin: germline. Affected: yes.

Illumina Laboratory Services, Illumina
Classification: Benign for Polycystic kidney disease 4. Last evaluated: 2018-01-12. Review status: criteria provided, single submitter. Criteria: ICSL Variant Classification Criteria 13 December 2019. Collection method: clinical testing. Allele origin: germline.
Comment: This variant was observed in the ICSL laboratory as part of a predisposition screen in an ostensibly healthy population. It had not been previously curated by ICSL or reported in the Human Gene Mutation Database (HGMD: prior to June 1st, 2018), and was therefore a candidate for classification through an automated scoring system. Utilizing variant allele frequency, disease prevalence and penetrance estimates, and inheritance mode, an automated score was calculated to assess if this variant is too frequent to cause the disease. Based on the score and internal cut-off values, a variant classified as benign is not then subjected to further curation. The score for this variant resulted in a classification of benign for this disease.

Eurofins Ntd Llc (ga)
Classification: Benign. Last evaluated: 2016-03-25. Review status: criteria provided, single submitter. Criteria: EGL Classification Definitions 2015. Collection method: clinical testing. Allele origin: germline. Observed: 22 variant alleles, 21 heterozygotes, 1 homozygote.

PreventionGenetics, part of Exact Sciences
Classification: Benign. Review status: criteria provided, single submitter. Criteria: ACMG Guidelines, 2015. Collection method: clinical testing. Allele origin: germline.

Natera, Inc.
Classification: Benign for Autosomal recessive polycystic kidney disease. Last evaluated: 2017-08-09. Review status: no assertion criteria provided. Collection method: clinical testing. Allele origin: germline. Not counted in ClinVar's aggregate classification.

Department of Pathology and Laboratory Medicine, Sinai Health System
Classification: Benign for Polycystic Kidney disease. Review status: no assertion criteria provided. Collection method: clinical testing. Allele origin: unknown. Affected: yes. Study: The Canadian Open Genetics Repository (COGR). Not counted in ClinVar's aggregate classification.
Comment: The PKHD1, p.His3507His variant was identified in 6.2% of 120686 control alleles in the Exome Aggregation Consortium (March 14, 2016). According to ACMG guidelines for variant classification based on allele frequency, category BA1, this variant is considered benign and has not been further reviewed (Richards 2015).